The following is an entry in ClinVar:

ClinVar aggregate classification (germline): Uncertain significance (1 of 4 stars; one submission).

gnomAD v4.1: 1 of 1,536,676 alleles (0.000065%); highest among the groups gnomAD compares: Non-Finnish European, 0.000088%; no homozygotes.

Submission:

GeneDx
Classification: Uncertain significance. Last evaluated: 2024-11-01. Review status: criteria provided, single submitter. Criteria: GeneDx Variant Classification Process June 2021. Collection method: clinical testing. Allele origin: germline. Affected: yes.
Comment: Not observed at significant frequency in large population cohorts (gnomAD); In silico analysis indicates that this missense variant does not alter protein structure/function; Has not been previously published as pathogenic or benign to our knowledge; Not located in one of the three hot-spot regions of the RYR2 gene, where the majority of pathogenic missense variants occur (PMID: 19926015); This variant is associated with the following publications: (PMID: 19926015)

NM_001035.3(RYR2):c.11105A>G (p.Glu3702Gly)

Gene: RYR2 (ryanodine receptor 2; plus strand). Cytogenetic location: 1q43.
Variant type: single nucleotide variant.
Coding change: c.11105A>G on transcript NM_001035.3 (MANE Select); coding-DNA position 11105, A replaced by G.
Protein change: p.Glu3702Gly; replaces glutamic acid 3702 with glycine.
Molecular consequence: missense variant.
Genome position (GRCh38, 1-based): chr1:237,742,309, A>G. VCF-style: chr1-237742309-A-G. GRCh37 (hg19) VCF-style: chr1-237905609-A-G.
Other names: short protein forms E3702G.
Identifiers: ClinVar variation 1219710 (VCV001219710.4), dbSNP rs2149211381, ClinGen allele CA345421994.
Genomic context (GRCh38, chr1:237,742,309, plus strand): 5'-ATCTCAACATATTCCTGTCTCCTTTTTTTTTTTTTTTAAATATACAGAGTTGTCATGATG[A>G]GGAAGATGACGATGGTGAAGAGGAAGTGAAGAGTTTTGAAGTAAGATGGATCTTTCTGGA-3'
Protein context (NP_001026.2, residues 3692-3712): ADIMAKSCHD[Glu3702Gly]EDDDGEEEVK